The following is an entry in ClinVar:

ClinVar aggregate classification (germline): Uncertain significance (1 of 4 stars; one submission).

Conditions:
Epilepsy, familial adult myoclonic, 5 (EPEO5). Also called: CORTICAL MYOCLONIC TREMOR WITH EPILEPSY, FAMILIAL, 5. Identifiers: Orphanet 86814, MedGen C3809374, MONDO:0014167, OMIM 615400.

Allele frequency attached by ClinVar (database versions not stated): gnomAD exomes below 0.00001; ExAC 0.00001; TOPMed 0.00002; gnomAD 0.00003 and 0.00004; ESP Exome Variant Server 0.00008.
gnomAD v4.1: 6 of 1,612,962 alleles (0.00037%); highest among the groups gnomAD compares: African/African-American, 0.008%; no homozygotes.

Submission:

Labcorp Genetics (formerly Invitae), Labcorp
Classification: Uncertain significance for Epilepsy, familial adult myoclonic, 5. Last evaluated: 2023-07-07. Review status: criteria provided, single submitter. Criteria: Invitae Variant Classification Sherloc (09022015). Collection method: clinical testing. Allele origin: germline.
Comment: In summary, the available evidence is currently insufficient to determine the role of this variant in disease. Therefore, it has been classified as a Variant of Uncertain Significance. Advanced modeling of protein sequence and biophysical properties (such as structural, functional, and spatial information, amino acid conservation, physicochemical variation, residue mobility, and thermodynamic stability) performed at Invitae indicates that this missense variant is not expected to disrupt CNTN2 protein function. ClinVar contains an entry for this variant (Variation ID: 1389739). This variant has not been reported in the literature in individuals affected with CNTN2-related conditions. This variant is present in population databases (rs371470696, gnomAD 0.007%). This sequence change replaces proline, which is neutral and non-polar, with threonine, which is neutral and polar, at codon 442 of the CNTN2 protein (p.Pro442Thr).

NM_005076.5(CNTN2):c.1324C>A (p.Pro442Thr)

Gene: CNTN2 (contactin 2; plus strand). Cytogenetic location: 1q32.1.
Variant type: single nucleotide variant.
Coding change: c.1324C>A on transcript NM_005076.5 (MANE Select); coding-DNA position 1324, C replaced by A.
Protein change: p.Pro442Thr; replaces proline 442 with threonine.
Molecular consequence: missense variant. On other transcripts: non-coding transcript variant (1).
Genome position (GRCh38, 1-based): chr1:205,064,405, C>A. VCF-style: chr1-205064405-C-A. GRCh37 (hg19) VCF-style: chr1-205033533-C-A.
Other names: c.1324C>A, p.Pro442Thr (NM_001346083.2); short protein forms P442T.
Identifiers: ClinVar variation 1389739 (VCV001389739.8), dbSNP rs371470696, ClinGen allele CA1351343.
Genomic context (GRCh38, chr1:205,064,405, plus strand): 5'-AATCCCGTGAGGCGTCTGATCCCCGCGGCCCGCGGGGGAGAGATCCTTATCCCCTGCCAG[C>A]CCCGGGCAGCTCCAAAGGCCGTGGTGCTCTGGAGCAAAGGCACGGAGATTTTGGTCAACA-3'
Protein context (NP_005067.1, residues 432-452): RGGEILIPCQ[Pro442Thr]RAAPKAVVLW